The following is an entry in ClinVar:

ClinVar aggregate classification (germline): Uncertain significance. Review status: criteria provided, multiple submitters, no conflicts (2 of 4 stars). 3 submissions from 3 submitters: Uncertain significance (3). Last evaluated 2025-04-17.

Conditions:
Inborn genetic diseases. Identifiers: MedGen C0950123, MeSH D030342.
Cutis laxa, X-linked (OHS). Also called: EDS IX; Occipital horn syndrome. Identifiers: Orphanet 198, MedGen C0268353, MONDO:0010572, OMIM 304150.
X-linked distal spinal muscular atrophy type 3. Also called: SPINAL MUSCULAR ATROPHY, DISTAL, X-LINKED RECESSIVE; ATP7A-Related Distal Motor Neuropathy; NEURONOPATHY, DISTAL HEREDITARY MOTOR, X-LINKED; NEUROPATHY, DISTAL HEREDITARY MOTOR, X-LINKED. Identifiers: Orphanet 139557, MedGen C1845359, MONDO:0010338, OMIM 300489.
Menkes kinky-hair syndrome (MNK). Also called: Copper transport disease; Menkes Disease; Classic Menkes Disease. Identifiers: Orphanet 565, MedGen C0022716, MONDO:0010651, OMIM 309400.

Allele frequency attached by ClinVar (database versions not stated): gnomAD 0.00001.
gnomAD v4.1: 3 of 1,209,193 alleles (0.00025%); highest among the groups gnomAD compares: East Asian, 0.003%; no homozygotes.

Submissions (3):

Labcorp Genetics (formerly Invitae), Labcorp
Classification: Uncertain significance for X-linked distal spinal muscular atrophy type 3; Cutis laxa, X-linked; Menkes kinky-hair syndrome. Last evaluated: 2025-04-17. Review status: criteria provided, single submitter. Criteria: Invitae Variant Classification Sherloc (09022015). Collection method: clinical testing. Allele origin: germline.
Comment: This sequence change replaces arginine, which is basic and polar, with glutamine, which is neutral and polar, at codon 980 of the ATP7A protein (p.Arg980Gln). This variant is not present in population databases (gnomAD no frequency). This variant has not been reported in the literature in individuals affected with ATP7A-related conditions. ClinVar contains an entry for this variant (Variation ID: 387868). Invitae Evidence Modeling of protein sequence and biophysical properties (such as structural, functional, and spatial information, amino acid conservation, physicochemical variation, residue mobility, and thermodynamic stability) indicates that this missense variant is not expected to disrupt ATP7A protein function with a negative predictive value of 95%. In summary, the available evidence is currently insufficient to determine the role of this variant in disease. Therefore, it has been classified as a Variant of Uncertain Significance.

Ambry Genetics
Classification: Uncertain significance for Inborn genetic diseases. Last evaluated: 2023-04-25. Review status: criteria provided, single submitter. Criteria: Ambry Variant Classification Scheme 2023. Collection method: clinical testing. Allele origin: germline.

GeneDx
Classification: Uncertain significance. Last evaluated: 2018-03-01. Review status: criteria provided, single submitter. Criteria: GeneDx Variant Classification (06012015). Collection method: clinical testing. Allele origin: germline. Affected: yes.
Comment: The R980Q variant in the ATP7A gene has not been reported previously as a pathogenic variant, nor as a benign variant, to our knowledge. The R980Q variant was not observed in approximately 6,500 individuals of European and African American ancestry in the NHLBI Exome Sequencing Project, indicating it is not a common benign variant in these populations. The R980Q variant is a semi-conservative amino acid substitution, which may impact secondary protein structure as these residues differ in some properties. This substitution occurs at a position that is not conserved. In silico analysis is inconsistent in its predictions as to whether or not the variant is damaging to the protein structure/function. We interpret R980Q as a variant of uncertain significance.

NM_000052.7(ATP7A):c.2939G>A (p.Arg980Gln)

Gene: ATP7A (ATPase copper transporting alpha; plus strand). Cytogenetic location: Xq21.1.
Variant type: single nucleotide variant.
Coding change: c.2939G>A on transcript NM_000052.7 (MANE Select); coding-DNA position 2939, G replaced by A.
Protein change: p.Arg980Gln; replaces arginine 980 with glutamine.
Molecular consequence: missense variant.
Genome position (GRCh38, 1-based): chrX:78,029,272, G>A. VCF-style: chrX-78029272-G-A. GRCh37 (hg19) VCF-style: chrX-77284769-G-A.
Other names: c.2705G>A, p.Arg902Gln (NM_001282224.2); short protein forms R980Q, R902Q.
Identifiers: ClinVar variation 387868 (VCV000387868.5), dbSNP rs1057522925, ClinGen allele CA16608601.